The following is an entry in ClinVar:

ClinVar aggregate classification (germline): Uncertain significance (1 of 4 stars; one submission).

Conditions:
Nemaline myopathy 2 (NEM2). Also called: Nemaline myopathy 2, autosomal recessive. Identifiers: MedGen C1850569, MONDO:0009725, OMIM 256030.

Allele frequency attached by ClinVar (database versions not stated): TOPMed below 0.00001; ExAC 0.00001.
gnomAD v4.1: 4 of 1,590,198 alleles (0.00025%); highest among the groups gnomAD compares: East Asian, 0.0068%; no homozygotes.

Submission:

Labcorp Genetics (formerly Invitae), Labcorp
Classification: Uncertain significance for Nemaline myopathy 2. Last evaluated: 2022-03-26. Review status: criteria provided, single submitter. Criteria: Invitae Variant Classification Sherloc (09022015). Collection method: clinical testing. Allele origin: germline.
Comment: This sequence change replaces glutamic acid, which is acidic and polar, with aspartic acid, which is acidic and polar, at codon 8007 of the NEB protein (p.Glu8007Asp). This variant is present in population databases (rs772584927, gnomAD 0.02%). This variant has not been reported in the literature in individuals affected with NEB-related conditions. Algorithms developed to predict the effect of missense changes on protein structure and function are either unavailable or do not agree on the potential impact of this missense change (SIFT: "Deleterious"; PolyPhen-2: "Not Available"; Align-GVGD: "Class C0"). In summary, the available evidence is currently insufficient to determine the role of this variant in disease. Therefore, it has been classified as a Variant of Uncertain Significance.

NM_001164508.2(NEB):c.23916G>C (p.Glu7972Asp)

Genes: NEB (nebulin; minus strand), RIF1 (replication timing regulatory factor 1; plus strand). Cytogenetic location: 2q23.3.
Variant type: single nucleotide variant.
Coding change: c.23916G>C on transcript NM_001164508.2 (MANE Select); coding-DNA position 23916, G replaced by C.
Protein change: p.Glu7972Asp; replaces glutamic acid 7972 with aspartic acid.
Molecular consequence: missense variant.
Genome position (GRCh38, 1-based): chr2:151,502,805, C>G on the plus strand (G>C on the coding strand, the complement: NEB is on the minus strand). VCF-style: chr2-151502805-C-G. GRCh37 (hg19) VCF-style: chr2-152359319-C-G.
Other names: c.23916G>C, p.Glu7972Asp (NM_001164507.2); c.24021G>C, p.Glu8007Asp (NM_001271208.2); c.18813G>C, p.Glu6271Asp (NM_004543.5); short protein forms E7972D, E8007D, E6271D.
Identifiers: ClinVar variation 2193521 (VCV002193521.1), dbSNP rs772584927, ClinGen allele CA1906195.
Genomic context (GRCh38, chr2:151,502,805, plus strand): 5'-TTAAATAAAATTAAGGGATTTTTTTTTTTTTGGCCCCCTAAGAAATACCGAGCTAAAGTT[C>G]TCTTGATTGCGTTTGACTCTCTCCATCTCTGGAGTGATAGGTGTTGGGATTCCTTTCCCC-3'
Protein context (NP_001157980.2, residues 7962-7982): PEMERVKRNQ[Glu7972Asp]NFSSILYKEN